The following is an entry in ClinVar:

NM_001378454.1(ALMS1):c.4918G>A (p.Glu1640Lys)

Gene: ALMS1 (ALMS1 centrosome and basal body associated protein; plus strand). Cytogenetic location: 2p13.1.
Variant type: single nucleotide variant.
Coding change: c.4918G>A on transcript NM_001378454.1 (MANE Select); coding-DNA position 4918, G replaced by A.
Protein change: p.Glu1640Lys; replaces glutamic acid 1640 with lysine.
Molecular consequence: missense variant.
Genome position (GRCh38, 1-based): chr2:73,451,445, G>A. VCF-style: chr2-73451445-G-A. GRCh37 (hg19) VCF-style: chr2-73678572-G-A.
Other names: c.4921G>A, p.Glu1641Lys (NM_015120.4); short protein forms E1640K, E1641K.
Identifiers: ClinVar variation 3352532 (VCV003352532.1).

ClinVar aggregate classification (germline): Uncertain significance (0 of 4 stars; one submission).

Conditions:
ALMS1-related disorder. Also called: ALMS1-related condition.

Submission:

PreventionGenetics, part of Exact Sciences
Classification: Uncertain significance for ALMS1-related condition. Last evaluated: 2024-06-28. Review status: no assertion criteria provided. Collection method: clinical testing. Allele origin: germline.
Comment: The ALMS1 c.4921G>A variant is predicted to result in the amino acid substitution p.Val1641Met. To our knowledge, this variant has not been reported in the literature. This variant is reported in 0.0018% of alleles in individuals of European (Non-Finnish) descent in gnomAD. At this time, the clinical significance of this variant is uncertain due to the absence of conclusive functional and genetic evidence.